The following is an entry in ClinVar:

ClinVar aggregate classification (germline): Conflicting classifications of pathogenicity. Review status: criteria provided, conflicting classifications (1 of 4 stars). 4 submissions from 4 submitters: Uncertain significance (2); Benign (1); Likely benign (1). Last evaluated 2026-01-26.

Conditions:
Werner syndrome (WRN). Identifiers: Orphanet 902, MedGen C0043119, MONDO:0010196, OMIM 277700.
Ovarian cancer. Also called: OVARIAN CANCER, SOMATIC. Identifiers: Orphanet 213500, MedGen C1140680, MONDO:0008170, OMIM 167000.

Allele frequency attached by ClinVar (database versions not stated): gnomAD exomes 0.00002 and 0.00010; gnomAD 0.00004 and 0.00005; TOPMed 0.00005; ExAC 0.00010; 1000 Genomes Project 0.00020; 1000 Genomes Project 30x 0.00031.
gnomAD v4.1: 35 of 1,613,522 alleles (0.0022%); highest among the groups gnomAD compares: East Asian, 0.078%; no homozygotes.

Submissions (4):

Labcorp Genetics (formerly Invitae), Labcorp
Classification: Likely benign for Werner syndrome. Last evaluated: 2026-01-26. Review status: criteria provided, single submitter. Criteria: Invitae Variant Classification Sherloc (09022015). Collection method: clinical testing. Allele origin: germline.

Laboratory of Molecular Epidemiology of Birth Defects, West China Second University Hospital, Sichuan University
Classification: Benign for Ovarian cancer. Last evaluated: 2022-01-01. Review status: criteria provided, single submitter. Criteria: ACMG Guidelines, 2015. Collection method: clinical testing. Allele origin: germline. Affected: yes.

Fulgent Genetics
Classification: Uncertain significance for Werner syndrome. Last evaluated: 2018-10-31. Review status: criteria provided, single submitter. Criteria: ACMG Guidelines, 2015. Collection method: clinical testing. Allele origin: unknown.

Illumina Laboratory Services, Illumina
Classification: Uncertain significance for Werner syndrome. Last evaluated: 2017-04-27. Review status: criteria provided, single submitter. Criteria: ICSL Variant Classification Criteria 13 December 2019. Collection method: clinical testing. Allele origin: germline.
Comment: This variant was observed as part of a predisposition screen in an ostensibly healthy population. A literature search was performed for the gene, cDNA change, and amino acid change (where applicable). Publications were found based on this search. However, the evidence from the literature, in combination with allele frequency data from public databases where available, was not sufficient to rule this variant in or out of causing disease. Therefore, this variant is classified as a variant of unknown significance.

Literature cited by the submitters: PubMed 25637295 (cited by Illumina Laboratory Services, Illumina).

NM_000553.6(WRN):c.3778G>A (p.Ala1260Thr)

Gene: WRN (WRN RecQ like helicase; plus strand). Cytogenetic location: 8p12.
Variant type: single nucleotide variant.
Coding change: c.3778G>A on transcript NM_000553.6 (MANE Select); coding-DNA position 3778, G replaced by A.
Protein change: p.Ala1260Thr; replaces alanine 1260 with threonine.
Molecular consequence: missense variant.
Genome position (GRCh38, 1-based): chr8:31,154,714, G>A. VCF-style: chr8-31154714-G-A. GRCh37 (hg19) VCF-style: chr8-31012230-G-A.
Other names: short protein forms A1260T.
Identifiers: ClinVar variation 528123 (VCV000528123.17), dbSNP rs201107091, ClinGen allele CA4705173.